The following is an entry in ClinVar:

ClinVar aggregate classification (germline): Uncertain significance (1 of 4 stars; one submission).

Conditions:
Ullrich congenital muscular dystrophy 2 (UCMD2). Identifiers: Orphanet 75840, MedGen C4225314, MONDO:0014654, OMIM 616470.
Bethlem myopathy 2 (BTHLM2). Identifiers: Orphanet 536516, Orphanet 610, MedGen C4225313, MONDO:0034022, OMIM 616471.

Submission:

Labcorp Genetics (formerly Invitae), Labcorp
Classification: Uncertain significance for Bethlem myopathy 2; Ullrich congenital muscular dystrophy 2. Last evaluated: 2022-08-28. Review status: criteria provided, single submitter. Criteria: Invitae Variant Classification Sherloc (09022015). Collection method: clinical testing. Allele origin: germline.
Comment: In summary, the available evidence is currently insufficient to determine the role of this variant in disease. Therefore, it has been classified as a Variant of Uncertain Significance. Algorithms developed to predict the effect of missense changes on protein structure and function are either unavailable or do not agree on the potential impact of this missense change (SIFT: "Deleterious"; PolyPhen-2: "Probably Damaging"; Align-GVGD: "Class C0"). This variant has not been reported in the literature in individuals affected with COL12A1-related conditions. This variant is not present in population databases (gnomAD no frequency). This sequence change replaces threonine, which is neutral and polar, with proline, which is neutral and non-polar, at codon 1841 of the COL12A1 protein (p.Thr1841Pro).

NM_004370.6(COL12A1):c.5521A>C (p.Thr1841Pro)

Gene: COL12A1 (collagen type XII alpha 1 chain; minus strand). Cytogenetic location: 6q13.
Variant type: single nucleotide variant.
Coding change: c.5521A>C on transcript NM_004370.6 (MANE Select); coding-DNA position 5521, A replaced by C.
Protein change: p.Thr1841Pro; replaces threonine 1841 with proline.
Molecular consequence: missense variant.
Genome position (GRCh38, 1-based): chr6:75,134,729, T>G on the plus strand (A>C on the coding strand, the complement: COL12A1 is on the minus strand). VCF-style: chr6-75134729-T-G. GRCh37 (hg19) VCF-style: chr6-75844445-T-G.
Other names: c.2029A>C, p.Thr677Pro (NM_080645.3); short protein forms T1841P, T677P.
Identifiers: ClinVar variation 1718198 (VCV001718198.6), dbSNP rs2533294665, ClinGen allele CA364736075.
Genomic context (GRCh38, chr6:75,134,729, plus strand): 5'-TGATTCCATTCTAATAGTAGCTATTAAAGAAGCTATAGGAACTCAGGTTTCACTTACTGG[T>G]CTTGCCTCTTCCCGTCATCCGACCTCCTTCACCATCAGGATACAGAGAGGATACGGTGAT-3'
Protein context (NP_004361.3, residues 1831-1851): EGGRMTGRGK[Thr1841Pro]KPLNTVRNLR